The following is an entry in ClinVar:

ClinVar aggregate classification (germline): Uncertain significance (1 of 4 stars; one submission).

gnomAD v4.1: 2 of 1,532,576 alleles (0.00013%); highest among the groups gnomAD compares: Non-Finnish European, 0.00018%; no homozygotes.

Submission:

Labcorp Genetics (formerly Invitae), Labcorp
Classification: Uncertain significance. Last evaluated: 2022-08-17. Review status: criteria provided, single submitter. Criteria: Invitae Variant Classification Sherloc (09022015). Collection method: clinical testing. Allele origin: germline.
Comment: This sequence change replaces histidine, which is basic and polar, with arginine, which is basic and polar, at codon 2875 of the UNC80 protein (p.His2875Arg). This variant is not present in population databases (gnomAD no frequency). This variant has not been reported in the literature in individuals affected with UNC80-related conditions. ClinVar contains an entry for this variant (Variation ID: 1489845). Algorithms developed to predict the effect of missense changes on protein structure and function are either unavailable or do not agree on the potential impact of this missense change (SIFT: "Not Available"; PolyPhen-2: "Probably Damaging"; Align-GVGD: "Not Available"). In summary, the available evidence is currently insufficient to determine the role of this variant in disease. Therefore, it has been classified as a Variant of Uncertain Significance.

NM_001371986.1(UNC80):c.8822A>G (p.His2941Arg)

Gene: UNC80 (unc-80 subunit of NALCN channel complex; plus strand). Cytogenetic location: 2q34.
Variant type: single nucleotide variant.
Coding change: c.8822A>G on transcript NM_001371986.1 (MANE Select); coding-DNA position 8822, A replaced by G.
Protein change: p.His2941Arg; replaces histidine 2941 with arginine.
Molecular consequence: missense variant.
Genome position (GRCh38, 1-based): chr2:209,976,962, A>G. VCF-style: chr2-209976962-A-G. GRCh37 (hg19) VCF-style: chr2-210841686-A-G.
Other names: c.8624A>G, p.His2875Arg (NM_032504.2); c.8609A>G, p.His2870Arg (NM_182587.4); short protein forms H2875R, H2941R, H2870R.
Identifiers: ClinVar variation 1489845 (VCV001489845.8), dbSNP rs2093029810, ClinGen allele CA350414105.
Genomic context (GRCh38, chr2:209,976,962, plus strand): 5'-CTTCCTTTCAGCTGCTGGCCCAACCAGCAGAGAATCATGAAGAGCTTTCCGCCCGGCAAC[A>G]TATTGCCGACCAGCTGGAGCGGCGCTTCATACCACGCCCTTTGTGTAAGAGCTCGCTCAT-3'
Protein context (NP_001358915.1, residues 2931-2951): ENHEELSARQ[His2941Arg]IADQLERRFI